The following is an entry in ClinVar:

NM_206933.4(USH2A):c.11283T>A (p.Asp3761Glu)

Gene: USH2A (usherin; minus strand). Cytogenetic location: 1q41.
Variant type: single nucleotide variant.
Coding change: c.11283T>A on transcript NM_206933.4 (MANE Select); coding-DNA position 11283, T replaced by A.
Protein change: p.Asp3761Glu; replaces aspartic acid 3761 with glutamic acid.
Molecular consequence: missense variant.
Genome position (GRCh38, 1-based): chr1:215,758,701, A>T on the plus strand (T>A on the coding strand, the complement: USH2A is on the minus strand). VCF-style: chr1-215758701-A-T. GRCh37 (hg19) VCF-style: chr1-215932043-A-T.
Other names: short protein forms D3761E.
Identifiers: ClinVar variation 1407267 (VCV001407267.6), dbSNP rs1558085489, ClinGen allele CA344820923.

ClinVar aggregate classification (germline): Uncertain significance (1 of 4 stars; one submission).

Submission:

Labcorp Genetics (formerly Invitae), Labcorp
Classification: Uncertain significance. Last evaluated: 2022-02-24. Review status: criteria provided, single submitter. Criteria: Invitae Variant Classification Sherloc (09022015). Collection method: clinical testing. Allele origin: germline.
Comment: In summary, the available evidence is currently insufficient to determine the role of this variant in disease. Therefore, it has been classified as a Variant of Uncertain Significance. Algorithms developed to predict the effect of missense changes on protein structure and function output the following: SIFT: "Tolerated"; PolyPhen-2: "Benign"; Align-GVGD: "Class C0". The glutamic acid amino acid residue is found in multiple mammalian species, which suggests that this missense change does not adversely affect protein function. This sequence change replaces aspartic acid, which is acidic and polar, with glutamic acid, which is acidic and polar, at codon 3761 of the USH2A protein (p.Asp3761Glu). This variant has not been reported in the literature in individuals affected with USH2A-related conditions. This variant is not present in population databases (gnomAD no frequency).